The following is an entry in ClinVar:

ClinVar aggregate classification (germline): Benign/Likely benign. Review status: criteria provided, multiple submitters, no conflicts (2 of 4 stars). 7 submissions from 7 submitters: Benign (5); Likely benign (2). Last evaluated 2026-09-01.

Conditions:
Hajdu-Cheney syndrome (HJCYS). Also called: Acroosteolysis dominant type; SERPENTINE FIBULA-POLYCYSTIC KIDNEY SYNDROME; ACROOSTEOLYSIS WITH OSTEOPOROSIS AND CHANGES IN SKULL AND MANDIBLE. Identifiers: Orphanet 955, MedGen C0917715, MONDO:0007057, OMIM 102500.

Allele frequency attached by ClinVar (database versions not stated): 1000 Genomes Project 30x 0.00265; TOPMed 0.00271; gnomAD exomes 0.00080 and 0.00145; ExAC 0.00145; gnomAD 0.00245; ESP Exome Variant Server 0.00254; 1000 Genomes Project 0.00260.
gnomAD v4.1: 1,560 of 1,613,110 alleles (0.097%); highest among the groups gnomAD compares: Middle Eastern, 1.8%; 11 homozygotes.

Submissions (8):

CeGaT Center for Human Genetics Tuebingen
Classification: Likely benign. Last evaluated: 2026-09-01. Review status: criteria provided, single submitter. Criteria: CeGaT Center For Human Genetics Tuebingen Variant Classification Criteria Version 2. Collection method: clinical testing. Allele origin: germline. Affected: yes. Observed: 4 variant alleles.
Comment: NOTCH2: BP4, BP7, BS1

Labcorp Genetics (formerly Invitae), Labcorp
Classification: Benign for Hajdu-Cheney syndrome. Last evaluated: 2026-02-01. Review status: criteria provided, single submitter. Criteria: Invitae Variant Classification Sherloc (09022015). Collection method: clinical testing. Allele origin: germline.

Mayo Clinic Laboratories, Mayo Clinic
Classification: Benign. Last evaluated: 2025-09-22. Review status: criteria provided, single submitter. Criteria: ACMG Guidelines, 2015. Collection method: clinical testing. Allele origin: germline. Observed: 6 variant alleles.
Comment: BA1, BP4, BP7

Blueprint Genetics
Classification: Likely benign. Last evaluated: 2024-11-25. Review status: criteria provided, single submitter. Criteria: ACMG Guidelines, 2015. Collection method: clinical testing. Allele origin: germline.

GeneDx
Classification: Benign. Last evaluated: 2020-12-04. Review status: criteria provided, single submitter. Criteria: GeneDx Variant Classification Process June 2021. Collection method: clinical testing. Allele origin: germline. Affected: yes.

Eurofins Ntd Llc (ga)
Classification: Benign. Last evaluated: 2016-03-15. Review status: criteria provided, single submitter. Criteria: EGL Classification Definitions 2015. Collection method: clinical testing. Allele origin: germline. Observed: 1 variant allele, 1 heterozygote.

Breakthrough Genomics
Classification: Benign. Review status: criteria provided, single submitter. Criteria: ACMG Guidelines, 2015. Collection method: not provided. Allele origin: germline. Inheritance: Autosomal dominant inheritance. Affected: yes.

Dr. Peter K. Rogan Lab, Western University
No classification provided (evidence only). Condition: Clear cell carcinoma of kidney. Review status: no classification provided. Collection method: in vitro. Allele origin: not applicable. Functional consequence: retained intron. Not counted in ClinVar's aggregate classification.

NM_024408.4(NOTCH2):c.3519C>T (p.Cys1173=)

Gene: NOTCH2 (notch receptor 2; minus strand). Cytogenetic location: 1p12.
Variant type: single nucleotide variant.
Coding change: c.3519C>T on transcript NM_024408.4 (MANE Select); coding-DNA position 3519, C replaced by T.
Protein change: p.Cys1173=; no amino-acid change (cysteine 1173 retained).
Molecular consequence: synonymous variant.
Genome position (GRCh38, 1-based): chr1:119,937,285, G>A on the plus strand (C>T on the coding strand, the complement: NOTCH2 is on the minus strand). VCF-style: chr1-119937285-G-A. GRCh37 (hg19) VCF-style: chr1-120479908-G-A.
Other names: p.Cys1173=; c.3519C>T, p.Cys1173= (NM_001200001.2).
Identifiers: ClinVar variation 286618 (VCV000286618.40), dbSNP rs115325955, ClinGen allele CA1040048.